The following is an entry in ClinVar:

NM_001080517.3(SETD5):c.3849C>A (p.Asn1283Lys)

Gene: SETD5 (SET domain containing 5; plus strand). Cytogenetic location: 3p25.3.
Variant type: single nucleotide variant.
Coding change: c.3849C>A on transcript NM_001080517.3 (MANE Select); coding-DNA position 3849, C replaced by A.
Protein change: p.Asn1283Lys; replaces asparagine 1283 with lysine.
Molecular consequence: missense variant.
Genome position (GRCh38, 1-based): chr3:9,475,611, C>A. VCF-style: chr3-9475611-C-A. GRCh37 (hg19) VCF-style: chr3-9517295-C-A.
Other names: c.3555C>A, p.Asn1185Lys (NM_001292043.2, NM_001349451.2); short protein forms N1185K, N1283K.
Identifiers: ClinVar variation 3765667 (VCV003765667.1).

ClinVar aggregate classification (germline): Uncertain significance (1 of 4 stars; one submission).

Submission:

Greenwood Genetic Center Diagnostic Laboratories, Greenwood Genetic Center
Classification: Uncertain significance. Last evaluated: 2024-09-24. Review status: criteria provided, single submitter. Criteria: ACMG Guidelines, 2015. Collection method: clinical testing. Allele origin: germline. Affected: yes.
Comment: Gene of Uncertain Significance